The following is an entry in ClinVar:

NM_001199397.3(NEK1):c.859C>G (p.Pro287Ala)

Gene: NEK1 (NIMA related kinase 1; minus strand). Cytogenetic location: 4q33.
Variant type: single nucleotide variant.
Coding change: c.859C>G on transcript NM_001199397.3 (MANE Select); coding-DNA position 859, C replaced by G.
Protein change: p.Pro287Ala; replaces proline 287 with alanine.
Molecular consequence: missense variant. On other transcripts: non-coding transcript variant (2).
Genome position (GRCh38, 1-based): chr4:169,580,851, G>C on the plus strand (C>G on the coding strand, the complement: NEK1 is on the minus strand). VCF-style: chr4-169580851-G-C. GRCh37 (hg19) VCF-style: chr4-170502002-G-C.
Other names: c.859C>G, p.Pro287Ala (NM_001199398.3, NM_001199399.3, NM_001199400.3 and 7 more transcripts); short protein forms P287A.
Identifiers: ClinVar variation 598999 (VCV000598999.25), dbSNP rs35222922, ClinGen allele CA3137938.

ClinVar aggregate classification (germline): Conflicting classifications of pathogenicity. Review status: criteria provided, conflicting classifications (1 of 4 stars). 5 submissions from 5 submitters: Uncertain significance (3); Benign (1). 1 of the submissions does not count toward it. Last evaluated 2025-09-08.

Conditions:
NEK1-related disorder. Also called: NEK1-related condition.
Short-rib thoracic dysplasia 6 with or without polydactyly (SRTD6). Also called: SHORT-RIB THORACIC DYSPLASIA 6 WITH POLYDACTYLY; SHORT-RIB THORACIC DYSPLASIA 6 WITHOUT POLYDACTYLY; POLYDACTYLY WITH NEONATAL CHONDRODYSTROPHY, TYPE II; SHORT RIB-POLYDACTYLY SYNDROME, TYPE IIA; Majewski Syndrome. Identifiers: MedGen C0024507, MONDO:0009894, OMIM 263520.
Connective tissue disorder. Also called: Connective tissue disease. Identifiers: MedGen C0009782, MONDO:0003900.

Allele frequency attached by ClinVar (database versions not stated): ExAC 0.00005; gnomAD exomes 0.00010 and 0.00039; gnomAD 0.00012 and 0.00015; 1000 Genomes Project 0.00020; TOPMed 0.00038; 1000 Genomes Project 30x 0.00047.
gnomAD v4.1: 172 of 1,529,084 alleles (0.011%); highest among the groups gnomAD compares: East Asian, 0.34%; no homozygotes.

Submissions (5):

Labcorp Genetics (formerly Invitae), Labcorp
Classification: Benign for Short-rib thoracic dysplasia 6 with or without polydactyly. Last evaluated: 2025-09-08. Review status: criteria provided, single submitter. Criteria: Invitae Variant Classification Sherloc (09022015). Collection method: clinical testing. Allele origin: germline.

Genome Diagnostics Laboratory, The Hospital for Sick Children
Classification: Uncertain significance for Connective tissue disorder. Last evaluated: 2020-05-01. Review status: criteria provided, single submitter. Criteria: ACMG Guidelines, 2015. Collection method: clinical testing. Allele origin: germline.

ARUP Laboratories, Molecular Genetics and Genomics, ARUP Laboratories
Classification: Uncertain significance. Last evaluated: 2020-03-01. Review status: criteria provided, single submitter. Criteria: ARUP Molecular Germline Variant Investigation Process. Collection method: clinical testing. Allele origin: germline.
Comment: The NEK1 c.859C>G; p.Pro287Ala variant (rs35222922) is reported in the literature in individuals affected with amyotrophic lateral sclerosis (Pang 2017), but has not been reported in association with skeletal dysplasia. This variant is reported in ClinVar (Variation ID: 598999), and is found in the East Asian population with an allele frequency of 0.59% (72/12112 alleles) in the Genome Aggregation Database. The proline at codon 287 is moderately conserved, and computational analyses (SIFT, PolyPhen-2) predict that this variant is tolerated. Due to limited information, the clinical significance of the p.Pro287Ala variant is uncertain at this time. References: Pang et al. Burden of rare variants in ALS genes influences survival in familial and sporadic ALS. Neurobiol Aging. 2017 Oct;58:238.e9-238.e15.

Center for Personalized Medicine, Children's Hospital Los Angeles
Classification: Uncertain significance. Last evaluated: 2018-11-19. Review status: criteria provided, single submitter. Criteria: ACMG Guidelines, 2015. Collection method: clinical testing. Allele origin: germline. Affected: yes.

PreventionGenetics, part of Exact Sciences
Classification: Likely benign for NEK1-related condition. Last evaluated: 2022-05-28. Review status: no assertion criteria provided. Collection method: clinical testing. Allele origin: germline. Not counted in ClinVar's aggregate classification.
Comment: This variant is classified as likely benign based on ACMG/AMP sequence variant interpretation guidelines (Richards et al. 2015 PMID: 25741868, with internal and published modifications).